The following is an entry in ClinVar:

NM_001077653.2(TBX20):c.147_156del (p.Cys51fs)

Gene: TBX20 (T-box transcription factor 20; minus strand). Cytogenetic location: 7p14.2.
Variant type: Deletion.
Coding change: c.147_156del on transcript NM_001077653.2 (MANE Select); coding-DNA positions 147 to 156, 10 bases deleted (GTCCTGTGCC; older notation c.147_156delGTCCTGTGCC).
Protein change: p.Cys51fs; shifts the reading frame from cysteine 51.
Molecular consequence: frameshift variant.
Genome position (GRCh38, 1-based): chr7:35,250,175-35,250,184, GGCACAGGAC deleted on the plus strand (GTCCTGTGCC on the coding strand, the reverse complement: TBX20 is on the minus strand); deleting any 10 consecutive bases within chr7:35,250,175-35,250,185 gives the same sequence; the c. name uses the placement nearest the transcript's 3' end. VCF-style (leftmost placement, unchanged base first): chr7-35250174-GGGCACAGGAC-G. GRCh37 (hg19) VCF-style: chr7-35289786-GGGCACAGGAC-G.
Other names: c.147_156del, p.Cys51fs (NM_001166220.1); short protein forms C51fs.
Identifiers: ClinVar variation 1302115 (VCV001302115.3), dbSNP rs2128716169, ClinGen allele CA2573052863.

ClinVar aggregate classification (germline): Pathogenic (1 of 4 stars; one submission).

Submission:

GeneDx
Classification: Pathogenic. Last evaluated: 2026-08-14. Review status: criteria provided, single submitter. Criteria: GeneDx Variant Classification Process June 2021. Collection method: clinical testing. Allele origin: germline.
Comment: Has not been previously published as pathogenic or benign to our knowledge; Not observed at significant frequency in large population cohorts (gnomAD); Frameshift variant predicted to result in protein truncation or nonsense mediated decay in a gene for which loss of function is a known mechanism of disease